The following is an entry in ClinVar:

ClinVar aggregate classification (germline): Uncertain significance. Review status: criteria provided, multiple submitters, no conflicts (2 of 4 stars). 2 submissions from 2 submitters: Uncertain significance (2). Last evaluated 2024-08-26.

Conditions:
Inborn genetic diseases. Identifiers: MedGen C0950123, MeSH D030342.

Submissions (2):

Ambry Genetics
Classification: Uncertain significance for Inborn genetic diseases. Last evaluated: 2024-08-26. Review status: criteria provided, single submitter. Criteria: Ambry Variant Classification Scheme 2023. Collection method: clinical testing. Allele origin: germline.

Labcorp Genetics (formerly Invitae), Labcorp
Classification: Uncertain significance. Last evaluated: 2022-08-22. Review status: criteria provided, single submitter. Criteria: Invitae Variant Classification Sherloc (09022015). Collection method: clinical testing. Allele origin: germline.
Comment: In summary, the available evidence is currently insufficient to determine the role of this variant in disease. Therefore, it has been classified as a Variant of Uncertain Significance. Algorithms developed to predict the effect of missense changes on protein structure and function are either unavailable or do not agree on the potential impact of this missense change (SIFT: "Not Available"; PolyPhen-2: "Benign"; Align-GVGD: "Not Available"). This variant has not been reported in the literature in individuals affected with TIMM50-related conditions. This variant is present in population databases (no rsID available, gnomAD 0.003%). This sequence change replaces alanine, which is neutral and non-polar, with threonine, which is neutral and polar, at codon 412 of the TIMM50 protein (p.Ala412Thr).

NM_001001563.5(TIMM50):c.925G>A (p.Ala309Thr)

Gene: TIMM50 (translocase of inner mitochondrial membrane 50; plus strand). Cytogenetic location: 19q13.2.
Variant type: single nucleotide variant.
Coding change: c.925G>A on transcript NM_001001563.5 (MANE Select); coding-DNA position 925, G replaced by A.
Protein change: p.Ala309Thr; replaces alanine 309 with threonine.
Molecular consequence: missense variant.
Genome position (GRCh38, 1-based): chr19:39,488,610, G>A. VCF-style: chr19-39488610-G-A. GRCh37 (hg19) VCF-style: chr19-39979250-G-A.
Other names: c.586G>A, p.Ala196Thr (NM_001329559.2); c.1234G>A (NM_001001563.1); short protein forms A309T, A196T.
Identifiers: ClinVar variation 1948696 (VCV001948696.6), dbSNP rs370217104, ClinGen allele CA405790386.